The following is an entry in ClinVar:

NM_000400.4(ERCC2):c.1393G>T (p.Asp465Tyr)

Gene: ERCC2 (ERCC excision repair 2, TFIIH core complex helicase subunit; minus strand). Cytogenetic location: 19q13.32.
Variant type: single nucleotide variant.
Coding change: c.1393G>T on transcript NM_000400.4 (MANE Select); coding-DNA position 1393, G replaced by T.
Protein change: p.Asp465Tyr; replaces aspartic acid 465 with tyrosine.
Molecular consequence: missense variant.
Genome position (GRCh38, 1-based): chr19:45,357,356, C>A on the plus strand (G>T on the coding strand, the complement: ERCC2 is on the minus strand). VCF-style: chr19-45357356-C-A. GRCh37 (hg19) VCF-style: chr19-45860614-C-A.
Other names: short protein forms D465Y.
Identifiers: ClinVar variation 1771587 (VCV001771587.2), dbSNP rs770112471, ClinGen allele CA9513303.
Genomic context (GRCh38, chr19:45,357,356, plus strand): 5'-GCGTCATGGTGAAGGTTGCCATGGTGACGGGGTGGAAGTCCAGGATCTTGGGGTAGATGT[C>A]CAGCGGGGACAGTGTCTGTGGCGGGACAGTGGGAGGGATCTCAGCAGGACTGGGCAGGGA-3'
Protein context (NP_000391.1, residues 455-475): IITSGTLSPL[Asp465Tyr]IYPKILDFHP

ClinVar aggregate classification (germline): Uncertain significance (1 of 4 stars; one submission).

Conditions:
Inborn genetic diseases. Identifiers: MedGen C0950123, MeSH D030342.

Allele frequency attached by ClinVar (database versions not stated): TOPMed below 0.00001; ExAC 0.00001.
gnomAD v4.1: 1 of 1,613,996 alleles (0.000062%); highest among the groups gnomAD compares: African/African-American, 0.0013%; no homozygotes.

Submission:

Ambry Genetics
Classification: Uncertain significance for Inborn genetic diseases. Last evaluated: 2022-03-01. Review status: criteria provided, single submitter. Criteria: Ambry Variant Classification Scheme 2023. Collection method: clinical testing. Allele origin: germline.
Comment: The p.D465Y variant (also known as c.1393G>T), located in coding exon 15 of the ERCC2 gene, results from a G to T substitution at nucleotide position 1393. The aspartic acid at codon 465 is replaced by tyrosine, an amino acid with highly dissimilar properties. This amino acid position is conserved. In addition, this alteration is predicted to be deleterious by in silico analysis. Since supporting evidence is limited at this time, the clinical significance of this alteration remains unclear.